The following is an entry in ClinVar:

ClinVar aggregate classification (germline): Uncertain significance. Review status: criteria provided, multiple submitters, no conflicts (2 of 4 stars). 3 submissions from 3 submitters: Uncertain significance (3). Last evaluated 2025-12-01.

Conditions:
MYH7B-related disorder. Also called: MYH7B-related condition.

Allele frequency attached by ClinVar (database versions not stated): gnomAD 0.00001; TOPMed 0.00005.
gnomAD v4.1: 23 of 1,613,542 alleles (0.0014%); highest among the groups gnomAD compares: Admixed American, 0.02%; no homozygotes.

Submissions (3):

PreventionGenetics, part of Exact Sciences
Classification: Uncertain significance for MYH7B-related condition. Last evaluated: 2025-12-01. Review status: criteria provided, single submitter. Criteria: ACMG Guidelines, 2015. Collection method: clinical testing. Allele origin: germline.
Comment: The MYH7B c.302C>T variant is predicted to result in the amino acid substitution p.Thr101Ile. To our knowledge, this variant has not been reported in the literature. This variant is reported in 0.029% of alleles in individuals of Latino descent in gnomAD. At this time, the clinical significance of this variant is uncertain due to the absence of conclusive functional and genetic evidence.

Labcorp Genetics (formerly Invitae), Labcorp
Classification: Uncertain significance. Last evaluated: 2025-08-07. Review status: criteria provided, single submitter. Criteria: Invitae Variant Classification Sherloc (09022015). Collection method: clinical testing. Allele origin: germline.
Comment: This sequence change replaces threonine, which is neutral and polar, with isoleucine, which is neutral and non-polar, at codon 101 of the MYH7B protein (p.Thr101Ile). This variant is present in population databases (rs757141332, gnomAD 0.03%). This variant has not been reported in the literature in individuals affected with MYH7B-related conditions. ClinVar contains an entry for this variant (Variation ID: 2713337). An algorithm developed to predict the effect of missense changes on protein structure and function (PolyPhen-2) suggests that this variant is likely to be tolerated. In summary, the available evidence is currently insufficient to determine the role of this variant in disease. Therefore, it has been classified as a Variant of Uncertain Significance.

Ambry Genetics
Classification: Uncertain significance. Last evaluated: 2025-02-12. Review status: criteria provided, single submitter. Criteria: Ambry Variant Classification Scheme 2023. Collection method: clinical testing. Allele origin: germline.

NM_020884.7(MYH7B):c.176C>T (p.Thr59Ile)

Gene: MYH7B (myosin heavy chain 7B; plus strand). Cytogenetic location: 20q11.22.
Variant type: single nucleotide variant.
Coding change: c.176C>T on transcript NM_020884.7 (MANE Select); coding-DNA position 176, C replaced by T.
Protein change: p.Thr59Ile; replaces threonine 59 with isoleucine.
Molecular consequence: missense variant.
Genome position (GRCh38, 1-based): chr20:34,979,474, C>T. VCF-style: chr20-34979474-C-T. GRCh37 (hg19) VCF-style: chr20-33567277-C-T.
Other names: c.302C>T (NM_020884.4, NM_020884.3); short protein forms T59I.
Identifiers: ClinVar variation 2713337 (VCV002713337.5), dbSNP rs757141332, ClinGen allele CA9826332.